The following is an entry in ClinVar:

NM_000143.4(FH):c.71C>T (p.Ser24Leu)

Gene: FH (fumarate hydratase; minus strand). Cytogenetic location: 1q43.
Variant type: single nucleotide variant.
Coding change: c.71C>T on transcript NM_000143.4 (MANE Select); coding-DNA position 71, C replaced by T.
Protein change: p.Ser24Leu; replaces serine 24 with leucine.
Molecular consequence: missense variant.
Genome position (GRCh38, 1-based): chr1:241,519,652, G>A on the plus strand (C>T on the coding strand, the complement: FH is on the minus strand). VCF-style: chr1-241519652-G-A. GRCh37 (hg19) VCF-style: chr1-241682952-G-A.
Other names: short protein forms S24L.
Identifiers: ClinVar variation 1757652 (VCV001757652.2), dbSNP rs587778361, ClinGen allele CA345442828.

ClinVar aggregate classification (germline): Uncertain significance (1 of 4 stars; one submission).

Conditions:
Hereditary cancer-predisposing syndrome. Also called: Neoplastic Syndromes, Hereditary; Tumor predisposition; Hereditary Cancer Syndrome; Hereditary neoplastic syndrome. Identifiers: Orphanet 140162, MedGen C0027672, MeSH D009386, MONDO:0015356.

Submission:

Ambry Genetics
Classification: Uncertain significance for Hereditary cancer-predisposing syndrome. Last evaluated: 2022-05-03. Review status: criteria provided, single submitter. Criteria: Ambry Variant Classification Scheme 2023. Collection method: clinical testing. Allele origin: germline.
Comment: The p.S24L variant (also known as c.71C>T), located in coding exon 1 of the FH gene, results from a C to T substitution at nucleotide position 71. The serine at codon 24 is replaced by leucine, an amino acid with dissimilar properties. This amino acid position is highly conserved in available vertebrate species. In addition, the in silico prediction for this alteration is inconclusive. Since supporting evidence is limited at this time, the clinical significance of this alteration remains unclear.